The following is an entry in ClinVar:

NM_021930.6(RINT1):c.305G>T (p.Arg102Ile)

Gene: RINT1 (RAD50 interactor 1; plus strand). Cytogenetic location: 7q22.3.
Variant type: single nucleotide variant.
Coding change: c.305G>T on transcript NM_021930.6 (MANE Select); coding-DNA position 305, G replaced by T.
Protein change: p.Arg102Ile; replaces arginine 102 with isoleucine.
Molecular consequence: missense variant. On other transcripts: 5 prime UTR variant (3), non-coding transcript variant (1).
Genome position (GRCh38, 1-based): chr7:105,542,439, G>T. VCF-style: chr7-105542439-G-T. GRCh37 (hg19) VCF-style: chr7-105182886-G-T.
Other names: c.71G>T, p.Arg24Ile (NM_001346599.2); c.-715G>T (NM_001346600.2); c.-618G>T (NM_001346601.2); c.-238G>T (NM_001346603.2); short protein forms R102I, R24I.
Identifiers: ClinVar variation 1799354 (VCV001799354.2), dbSNP rs2485112352, ClinGen allele CA368802887.
Genomic context (GRCh38, chr7:105,542,439, plus strand): 5'-CTTTCTTTCTTTTTTAAAATTATGGTCAGGTACTTACAATTTCATCAGAAATTCCTAAAA[G>T]AATTCGAAGTGCCTTAAAAAATGCAGAAGAATCAAAGCAATTTCTTAATCAGTTTCTGGA-3'
Protein context (NP_068749.3, residues 92-112): VLTISSEIPK[Arg102Ile]IRSALKNAEE

ClinVar aggregate classification (germline): Uncertain significance (1 of 4 stars; one submission).

gnomAD v4.1: 2 of 1,611,166 alleles (0.00012%); highest among the groups gnomAD compares: South Asian, 0.0011%; no homozygotes.

Submission:

Ambry Genetics
Classification: Uncertain significance. Last evaluated: 2022-01-31. Review status: criteria provided, single submitter. Criteria: Ambry Variant Classification Scheme 2023. Collection method: clinical testing. Allele origin: germline.
Comment: The p.R102I variant (also known as c.305G>T), located in coding exon 4 of the RINT1 gene, results from a G to T substitution at nucleotide position 305. The arginine at codon 102 is replaced by isoleucine, an amino acid with similar properties. This amino acid position is conserved. In addition, this alteration is predicted to be tolerated by in silico analysis. Since supporting evidence is limited at this time, the clinical significance of this alteration remains unclear.